The following is an entry in ClinVar:

ClinVar aggregate classification (germline): Uncertain significance (1 of 4 stars; one submission).

Conditions:
SAMD9-related disorder. Also called: SAMD9-related condition.

Submission:

PreventionGenetics, part of Exact Sciences
Classification: Uncertain significance for SAMD9-related condition. Last evaluated: 2025-05-06. Review status: criteria provided, single submitter. Criteria: ACMG Guidelines, 2015. Collection method: clinical testing. Allele origin: germline.
Comment: The SAMD9 c.2873delA variant is predicted to result in a frameshift and premature protein termination (p.Asp958Alafs*10). To our knowledge, this variant has not been reported in the literature or in a large population database (gnomAD), indicating this variant is rare. Loss of function has not been conclusively established as a mechanism for SAMD9-related disorders. At this time, the clinical significance of this variant is uncertain due to the absence of conclusive functional and genetic evidence.

NM_017654.4(SAMD9):c.2873del (p.Asp958fs)

Gene: SAMD9 (sterile alpha motif domain containing 9; minus strand). Cytogenetic location: 7q21.2.
Variant type: Deletion.
Coding change: c.2873del on transcript NM_017654.4 (MANE Select); coding-DNA position 2873, one base deleted (A; older notation c.2873delA).
Protein change: p.Asp958fs; shifts the reading frame from aspartic acid 958.
Molecular consequence: frameshift variant.
Genome position (GRCh38, 1-based): chr7:93,103,225, T deleted on the plus strand (A on the coding strand, the reverse complement: SAMD9 is on the minus strand). VCF-style (leftmost placement, unchanged base first): chr7-93103224-GT-G. GRCh37 (hg19) VCF-style: chr7-92732537-GT-G.
Other names: c.2873del, p.Asp958fs (NM_001193307.2); short protein forms D958fs.
Identifiers: ClinVar variation 5002498 (VCV005002498.1).
Genomic context (GRCh38, chr7:93,103,224, plus strand): 5'-GTAGTTCCCACATTCGATGACCTCTGTTTTTATCAGAATTGTAGAGTAGGTGCCCATCTT[GT>G]CTTCAAATTTTTCTGTCCCCCAGAAAGCCTTCTTGTTTCCAATTCCTAAGAATTTTTCAC-3'